The following is an entry in ClinVar:

NM_000245.4(MET):c.1904A>G (p.Asn635Ser)

Gene: MET (MET proto-oncogene, receptor tyrosine kinase; plus strand). Cytogenetic location: 7q31.2.
Variant type: single nucleotide variant.
Coding change: c.1904A>G on transcript NM_000245.4 (MANE Select); coding-DNA position 1904, A replaced by G.
Protein change: p.Asn635Ser; replaces asparagine 635 with serine.
Molecular consequence: missense variant.
Genome position (GRCh38, 1-based): chr7:116,757,478, A>G. VCF-style: chr7-116757478-A-G. GRCh37 (hg19) VCF-style: chr7-116397532-A-G.
Other names: c.1904A>G, p.Asn635Ser (NM_001127500.3, NM_001324401.3); c.614A>G, p.Asn205Ser (NM_001324402.2); short protein forms N635S, N205S.
Identifiers: ClinVar variation 411877 (VCV000411877.17), dbSNP rs773826297, ClinGen allele CA4448321.

ClinVar aggregate classification (germline): Uncertain significance. Review status: criteria provided, multiple submitters, no conflicts (2 of 4 stars). 4 submissions from 4 submitters: Uncertain significance (4). Last evaluated 2026-06-10.

Conditions:
Hereditary cancer-predisposing syndrome. Also called: Hereditary Cancer Syndrome; Tumor predisposition; Hereditary neoplastic syndrome; Neoplastic Syndromes, Hereditary. Identifiers: Orphanet 140162, MedGen C0027672, MeSH D009386, MONDO:0015356.
Renal cell carcinoma. Identifiers: Orphanet 217071, MedGen C0007134, MeSH D002292, MONDO:0005086, HP:0005584.
Papillary renal cell carcinoma type 1 (RCCP1). Also called: Renal adenocarcinoma; Renal cell carcinoma 1; Renal cell carcinoma, somatic; RENAL CELL CARCINOMA, PAPILLARY, 1, SOMATIC. Identifiers: Orphanet 47044, MedGen C1336839, OMIM 605074, HP:0011797.

Allele frequency attached by ClinVar (database versions not stated): ExAC 0.00001; gnomAD exomes 0.00001; TOPMed below 0.00001.
gnomAD v4.1: 7 of 1,613,846 alleles (0.00043%); highest among the groups gnomAD compares: Admixed American, 0.005%; no homozygotes.

Submissions (4):

Ambry Genetics
Classification: Uncertain significance for Hereditary cancer-predisposing syndrome. Last evaluated: 2026-06-10. Review status: criteria provided, single submitter. Criteria: Ambry Variant Classification Scheme 2023. Collection method: clinical testing. Allele origin: germline.
Comment: The p.N635S variant (also known as c.1904A>G), located in coding exon 6 of the MET gene, results from an A to G substitution at nucleotide position 1904. The asparagine at codon 635 is replaced by serine, an amino acid with highly similar properties. This amino acid position is highly conserved in available vertebrate species. In addition, this alteration is predicted to be tolerated by in silico analysis. Based on the available evidence, the clinical significance of this variant remains unclear.

Labcorp Genetics (formerly Invitae), Labcorp
Classification: Uncertain significance for Renal cell carcinoma. Last evaluated: 2025-12-02. Review status: criteria provided, single submitter. Criteria: Invitae Variant Classification Sherloc (09022015). Collection method: clinical testing. Allele origin: germline.
Comment: This sequence change replaces asparagine, which is neutral and polar, with serine, which is neutral and polar, at codon 635 of the MET protein (p.Asn635Ser). This variant is present in population databases (rs773826297, gnomAD 0.009%). This missense change has been observed in individual(s) with breast cancer (PMID: 35264596). ClinVar contains an entry for this variant (Variation ID: 411877). Invitae Evidence Modeling of protein sequence and biophysical properties (such as structural, functional, and spatial information, amino acid conservation, physicochemical variation, residue mobility, and thermodynamic stability) indicates that this missense variant is not expected to disrupt MET protein function with a negative predictive value of 80%. In summary, the available evidence is currently insufficient to determine the role of this variant in disease. Therefore, it has been classified as a Variant of Uncertain Significance.

GeneDx
Classification: Uncertain significance. Last evaluated: 2024-07-03. Review status: criteria provided, single submitter. Criteria: GeneDx Variant Classification Process June 2021. Collection method: clinical testing. Allele origin: germline. Affected: yes.
Comment: Not observed at significant frequency in large population cohorts (gnomAD); In silico analysis indicates that this missense variant does not alter protein structure/function; Observed in an individual with breast cancer (PMID: 35264596); This variant is associated with the following publications: (PMID: 35264596)

Mendelics
Classification: Uncertain significance for Renal cell carcinoma, papillary, 1. Last evaluated: 2018-07-02. Review status: criteria provided, single submitter. Criteria: Mendelics Assertion Criteria 2017. Collection method: clinical testing. Allele origin: unknown.

Literature cited by the submitters: PubMed 35264596 (cited by Labcorp Genetics (formerly Invitae), Labcorp).